The following is an entry in ClinVar:

ClinVar aggregate classification (germline): Uncertain significance (1 of 4 stars; one submission).

Allele frequency attached by ClinVar (database versions not stated): gnomAD 0.00001; gnomAD exomes 0.00002; TOPMed 0.00002; ExAC 0.00003; ESP Exome Variant Server 0.00008.
gnomAD v4.1: 37 of 1,614,022 alleles (0.0023%); highest among the groups gnomAD compares: Admixed American, 0.0033%; no homozygotes.

Submission:

Labcorp Genetics (formerly Invitae), Labcorp
Classification: Uncertain significance. Last evaluated: 2024-09-03. Review status: criteria provided, single submitter. Criteria: Invitae Variant Classification Sherloc (09022015). Collection method: clinical testing. Allele origin: germline.
Comment: This sequence change replaces arginine, which is basic and polar, with glutamine, which is neutral and polar, at codon 625 of the DUOX2 protein (p.Arg625Gln). This variant is present in population databases (rs373620034, gnomAD 0.009%). This variant has not been reported in the literature in individuals affected with DUOX2-related conditions. ClinVar contains an entry for this variant (Variation ID: 1979086). Invitae Evidence Modeling of protein sequence and biophysical properties (such as structural, functional, and spatial information, amino acid conservation, physicochemical variation, residue mobility, and thermodynamic stability) indicates that this missense variant is not expected to disrupt DUOX2 protein function with a negative predictive value of 80%. In summary, the available evidence is currently insufficient to determine the role of this variant in disease. Therefore, it has been classified as a Variant of Uncertain Significance.

NM_001363711.2(DUOX2):c.1874G>A (p.Arg625Gln)

Gene: DUOX2 (dual oxidase 2; minus strand). Cytogenetic location: 15q21.1.
Variant type: single nucleotide variant.
Coding change: c.1874G>A on transcript NM_001363711.2 (MANE Select); coding-DNA position 1874, G replaced by A.
Protein change: p.Arg625Gln; replaces arginine 625 with glutamine.
Molecular consequence: missense variant.
Genome position (GRCh38, 1-based): chr15:45,106,599, C>T on the plus strand (G>A on the coding strand, the complement: DUOX2 is on the minus strand). VCF-style: chr15-45106599-C-T. GRCh37 (hg19) VCF-style: chr15-45398797-C-T.
Other names: c.1874G>A, p.Arg625Gln (NM_014080.5); short protein forms R625Q.
Identifiers: ClinVar variation 1979086 (VCV001979086.3), dbSNP rs373620034, ClinGen allele CA7538463.
Genomic context (GRCh38, chr15:45,106,599, plus strand): 5'-TCTTTGGCTGCTTCCTTCTTCACGCTCTCTTTGAGTTTCTTTTGTAGCTTCTTGTGTTCT[C>T]GGCCCCGGAAATAGGCCACCACTCCAGAGAGAAGCAGACTCACTGAAGTGGATCAGAAGG-3'
Protein context (NP_001350640.1, residues 615-635): LSGVVAYFRG[Arg625Gln]EHKKLQKKLK